The following is an entry in ClinVar:

ClinVar aggregate classification (germline): Likely benign (1 of 4 stars; one submission).

Conditions:
NRXN3-related disorder. Also called: NRXN3-related condition.

gnomAD v4.1: 43 of 1,534,704 alleles (0.0028%); highest among the groups gnomAD compares: African/African-American, 0.049%; no homozygotes.

Submission:

PreventionGenetics, part of Exact Sciences
Classification: Likely benign for NRXN3-related condition. Last evaluated: 2024-12-18. Review status: criteria provided, single submitter. Criteria: ACMG Guidelines, 2015. Collection method: clinical testing. Allele origin: germline.
Comment: This variant is classified as likely benign based on ACMG/AMP sequence variant interpretation guidelines (Richards et al. 2015 PMID: 25741868, with internal and published modifications).

NM_001330195.2(NRXN3):c.727+10T>C

Gene: NRXN3 (neurexin 3; plus strand). Cytogenetic location: 14q24.3.
Variant type: single nucleotide variant.
Coding change: c.727+10T>C on transcript NM_001330195.2 (MANE Select); 10 bases into the intron after coding-DNA position 727, T replaced by C.
Molecular consequence: intron variant.
Genome position (GRCh38, 1-based): chr14:78,278,672, T>C. VCF-style: chr14-78278672-T-C. GRCh37 (hg19) VCF-style: chr14-78745015-T-C.
Other names: c.727+10T>C (NM_001366426.1, NM_001366425.1).
Identifiers: ClinVar variation 4982195 (VCV004982195.1).